The following is an entry in ClinVar:

NM_001386795.1(DTNA):c.1414G>A (p.Ala472Thr)

Gene: DTNA (dystrobrevin alpha; plus strand). Cytogenetic location: 18q12.1.
Variant type: single nucleotide variant.
Coding change: c.1414G>A on transcript NM_001386795.1 (MANE Select); coding-DNA position 1414, G replaced by A.
Protein change: p.Ala472Thr; replaces alanine 472 with threonine.
Molecular consequence: missense variant. On other transcripts: intron variant (1).
Genome position (GRCh38, 1-based): chr18:34,848,363, G>A. VCF-style: chr18-34848363-G-A. GRCh37 (hg19) VCF-style: chr18-32428327-G-A.
Other names: c.1153G>A, p.Ala385Thr (NM_001198938.2, NM_001198939.2, NM_001198940.2 and 13 more transcripts); c.460G>A, p.Ala154Thr (NM_001198942.1); c.403G>A, p.Ala135Thr (NM_001198943.1); c.289G>A, p.Ala97Thr (NM_001198944.1); c.1243G>A, p.Ala415Thr (NM_001386754.1, NM_001386755.1, NM_001386756.1 and 5 more transcripts); c.1162G>A, p.Ala388Thr (NM_001386761.1, NM_001386762.1, NM_032975.4 and 1 more transcripts); c.1414G>A, p.Ala472Thr (NM_001386788.1); c.1333G>A, p.Ala445Thr (NM_001390.5, NM_001391.5); and 5 more; short protein forms A385T, A442T, A67T, A97T, A154T, A388T, A445T, A93T.
Identifiers: ClinVar variation 1355188 (VCV001355188.9), dbSNP rs2096417016, ClinGen allele CA402173621.

ClinVar aggregate classification (germline): Uncertain significance. Review status: criteria provided, single submitter (1 of 4 stars). 2 submissions from 2 submitters: Uncertain significance (1). 1 of the submissions does not count toward it. Last evaluated 2025-10-28.

Conditions:
DTNA-related disorder. Also called: DTNA-related condition.
Left ventricular noncompaction 1 (LVNC1). Also called: LEFT VENTRICULAR NONCOMPACTION 1 WITH OR WITHOUT CONGENITAL HEART DEFECTS. Identifiers: Orphanet 54260, MedGen C1858725, MONDO:0011403, OMIM 604169.

Allele frequency attached by ClinVar (database versions not stated): gnomAD exomes 0.00001.
gnomAD v4.1: 11 of 1,613,998 alleles (0.00068%); highest among the groups gnomAD compares: South Asian, 0.011%; no homozygotes.

Submissions (2):

Labcorp Genetics (formerly Invitae), Labcorp
Classification: Uncertain significance for Left ventricular noncompaction 1. Last evaluated: 2025-10-28. Review status: criteria provided, single submitter. Criteria: Invitae Variant Classification Sherloc (09022015). Collection method: clinical testing. Allele origin: germline.
Comment: This sequence change replaces alanine, which is neutral and non-polar, with threonine, which is neutral and polar, at codon 445 of the DTNA protein (p.Ala445Thr). This variant is not present in population databases (gnomAD no frequency). This variant has not been reported in the literature in individuals affected with DTNA-related conditions. ClinVar contains an entry for this variant (Variation ID: 1355188). An algorithm developed to predict the effect of missense changes on protein structure and function (PolyPhen-2) suggests that this variant is likely to be disruptive. In summary, the available evidence is currently insufficient to determine the role of this variant in disease. Therefore, it has been classified as a Variant of Uncertain Significance.

PreventionGenetics, part of Exact Sciences
Classification: Uncertain significance for DTNA-related condition. Last evaluated: 2024-07-23. Review status: no assertion criteria provided. Collection method: clinical testing. Allele origin: germline. Not counted in ClinVar's aggregate classification.
Comment: The DTNA c.1333G>A variant is predicted to result in the amino acid substitution p.Ala445Thr. To our knowledge, this variant has not been reported in the literature or in a large population database, indicating this variant is rare. At this time, the clinical significance of this variant is uncertain due to the absence of conclusive functional and genetic evidence.